The following is an entry in ClinVar:

NC_000002.11:g.(?_165946660)_(165947605_?)del

Gene: SCN3A (sodium voltage-gated channel alpha subunit 3; minus strand). Cytogenetic location: 2q24.3.
Variant type: Deletion.
Identifiers: ClinVar variation 1434592 (VCV001434592.1).

ClinVar aggregate classification (germline): Uncertain significance (1 of 4 stars; one submission).

Submission:

Labcorp Genetics (formerly Invitae), Labcorp
Classification: Uncertain significance. Last evaluated: 2020-12-24. Review status: criteria provided, single submitter. Criteria: Invitae Variant Classification Sherloc (09022015). Collection method: clinical testing. Allele origin: germline.
Comment: This sequence change is a complex rearrangement involving partial deletion of exon 28 of the SCN3A gene. There is also some indication that the surrounding sequence could be disrupted, but the exact nature of this event is unknown. This variant has not been reported in the literature in individuals with SCN3A-related conditions. In summary, the available evidence is currently insufficient to determine the role of this variant in disease. Therefore, it has been classified as a Variant of Uncertain Significance.